The following is an entry in ClinVar:

NM_004423.4(DVL3):c.181T>A (p.Ser61Thr)

Gene: DVL3 (dishevelled segment polarity protein 3; plus strand). Cytogenetic location: 3q27.1.
Variant type: single nucleotide variant.
Coding change: c.181T>A on transcript NM_004423.4 (MANE Select); coding-DNA position 181, T replaced by A.
Protein change: p.Ser61Thr; replaces serine 61 with threonine.
Molecular consequence: missense variant.
Genome position (GRCh38, 1-based): chr3:184,163,676, T>A. VCF-style: chr3-184163676-T-A. GRCh37 (hg19) VCF-style: chr3-183881464-T-A.
Other names: short protein forms S61T.
Identifiers: ClinVar variation 4689469 (VCV004689469.1).
Genomic context (GRCh38, chr3:184,163,676, plus strand): 5'-CACCCTAGAAGGTTCTCTGTGACATCCCCCTTTCTCTGCAGAGTGGTGAAGGAGGAGATC[T>A]CGGATGACAATGCCAAGCTACCATGCTTCAATGGCCGGGTGGTGTCCTGGGTAAGGAGCC-3'
Protein context (NP_004414.3, residues 51-71): DDFGVVKEEI[Ser61Thr]DDNAKLPCFN

ClinVar aggregate classification (germline): Uncertain significance (1 of 4 stars; one submission).

Submission:

Women's Health and Genetics/Laboratory Corporation of America, LabCorp
Classification: Uncertain significance. Last evaluated: 2026-01-12. Review status: criteria provided, single submitter. Criteria: LabCorp Variant Classification Summary - May 2015. Collection method: clinical testing. Allele origin: germline.
Comment: Variant summary: DVL3 c.181T>A (p.Ser61Thr) results in a conservative amino acid change in the encoded protein sequence. Algorithms developed to predict the effect of missense changes on protein structure and function are either unavailable or do not agree on the potential impact of this missense change. The variant was absent in 251490 control chromosomes. The available data on variant occurrences in the general population are insufficient to allow any conclusion about variant significance. To our knowledge, no occurrence of c.181T>A in individuals affected with DVL3-related conditions and no experimental evidence demonstrating its impact on protein function have been reported. No submitters have cited clinical-significance assessments for this variant to ClinVar. Based on the evidence outlined above, the variant was classified as uncertain significance.